The following is an entry in ClinVar:

NM_001184.4(ATR):c.1840G>A (p.Ala614Thr)

Gene: ATR (ATR checkpoint kinase; minus strand). Cytogenetic location: 3q23.
Variant type: single nucleotide variant.
Coding change: c.1840G>A on transcript NM_001184.4 (MANE Select); coding-DNA position 1840, G replaced by A.
Protein change: p.Ala614Thr; replaces alanine 614 with threonine.
Molecular consequence: missense variant.
Genome position (GRCh38, 1-based): chr3:142,558,669, C>T on the plus strand (G>A on the coding strand, the complement: ATR is on the minus strand). VCF-style: chr3-142558669-C-T. GRCh37 (hg19) VCF-style: chr3-142277511-C-T.
Other names: c.1648G>A, p.Ala550Thr (NM_001354579.2); short protein forms A550T, A614T.
Identifiers: ClinVar variation 2587547 (VCV002587547.2), dbSNP rs1278516813, ClinGen allele CA354820902.

ClinVar aggregate classification (germline): Uncertain significance (1 of 4 stars; one submission).

Conditions:
Inborn genetic diseases. Identifiers: MedGen C0950123, MeSH D030342.

Allele frequency attached by ClinVar (database versions not stated): gnomAD exomes below 0.00001.
gnomAD v4.1: 2 of 1,613,302 alleles (0.00012%); highest among the groups gnomAD compares: Non-Finnish European, 0.00017%; no homozygotes.

Submission:

Ambry Genetics
Classification: Uncertain significance for Inborn genetic diseases. Last evaluated: 2023-06-24. Review status: criteria provided, single submitter. Criteria: Ambry Variant Classification Scheme 2023. Collection method: clinical testing. Allele origin: germline.
Comment: The p.A614T variant (also known as c.1840G>A), located in coding exon 8 of the ATR gene, results from a G to A substitution at nucleotide position 1840. The alanine at codon 614 is replaced by threonine, an amino acid with similar properties. This amino acid position is conserved. In addition, this alteration is predicted to be tolerated by in silico analysis. Since supporting evidence is limited at this time, the clinical significance of this alteration remains unclear.